The following is an entry in ClinVar:

NM_001032283.3(TMPO):c.229C>T (p.Leu77Phe)

Genes: TMPO (thymopoietin; plus strand), TMPO-AS1 (TMPO antisense RNA 1; minus strand), LOC130008520 (ATAC-STARR-seq lymphoblastoid silent region 4752; plus strand). Cytogenetic location: 12q23.1.
Variant type: single nucleotide variant.
Coding change: c.229C>T on transcript NM_001032283.3 (MANE Select); coding-DNA position 229, C replaced by T.
Protein change: p.Leu77Phe; replaces leucine 77 with phenylalanine.
Molecular consequence: missense variant. On other transcripts: non-coding transcript variant (1).
Genome position (GRCh38, 1-based): chr12:98,516,096, C>T. VCF-style: chr12-98516096-C-T. GRCh37 (hg19) VCF-style: chr12-98909874-C-T.
Other names: c.229C>T, p.Leu77Phe (NM_001032284.3, NM_001307975.2, NM_003276.2); short protein forms L77F.
Identifiers: ClinVar variation 2152399 (VCV002152399.6), dbSNP rs1198782983, ClinGen allele CA386239702.
Genomic context (GRCh38, chr12:98,516,096, plus strand): 5'-ACCAACAGCAAGGGGCCCCCGGACTTCTCCAGTGACGAAGAGCGCGAGCCCACCCCGGTC[C>T]TCGGCTCTGGGGCCGCCGCCGCGGGCCGGAGCCGAGCAGCCGTCGGCAGGGTAAGGACGC-3'
Protein context (NP_001027454.1, residues 67-87): SDEEREPTPV[Leu77Phe]GSGAAAAGRS

ClinVar aggregate classification (germline): Uncertain significance. Review status: criteria provided, multiple submitters, no conflicts (2 of 4 stars). 2 submissions from 2 submitters: Uncertain significance (2). Last evaluated 2025-09-10.

Conditions:
Loeys-Dietz syndrome 2 (LDS2). Also called: AORTIC ANEURYSM, FAMILIAL THORACIC 3; MARFAN SYNDROME, TYPE II; Marfan syndrome, type 2 (formerly); TGFBR2-Related Loeys-Dietz Syndrome; Marfan Syndrome type 2; Marfan like connective tissue disorder. Identifiers: Orphanet 284973, Orphanet 558, MedGen C2674574, MONDO:0012427, OMIM 610168.

Allele frequency attached by ClinVar (database versions not stated): TOPMed below 0.00001; gnomAD exomes 0.00001.
gnomAD v4.1: 7 of 1,579,174 alleles (0.00044%); highest among the groups gnomAD compares: South Asian, 0.0011%; no homozygotes.

Submissions (2):

Ambry Genetics
Classification: Uncertain significance. Last evaluated: 2025-09-10. Review status: criteria provided, single submitter. Criteria: Ambry Variant Classification Scheme 2023. Collection method: clinical testing. Allele origin: germline.

Labcorp Genetics (formerly Invitae), Labcorp
Classification: Uncertain significance for Loeys-Dietz syndrome 2. Last evaluated: 2023-06-16. Review status: criteria provided, single submitter. Criteria: Invitae Variant Classification Sherloc (09022015). Collection method: clinical testing. Allele origin: germline.
Comment: In summary, the available evidence is currently insufficient to determine the role of this variant in disease. Therefore, it has been classified as a Variant of Uncertain Significance. Algorithms developed to predict the effect of missense changes on protein structure and function output the following: SIFT: "Not Available"; PolyPhen-2: "Benign"; Align-GVGD: "Not Available". The phenylalanine amino acid residue is found in multiple mammalian species, which suggests that this missense change does not adversely affect protein function. ClinVar contains an entry for this variant (Variation ID: 2152399). This variant has not been reported in the literature in individuals affected with TMPO-related conditions. The frequency data for this variant in the population databases is considered unreliable, as metrics indicate poor data quality at this position in the gnomAD database. This sequence change replaces leucine, which is neutral and non-polar, with phenylalanine, which is neutral and non-polar, at codon 77 of the TMPO protein (p.Leu77Phe).